The following is an entry in ClinVar:

NM_173728.4(ARHGEF15):c.889C>A (p.Pro297Thr)

Gene: ARHGEF15 (Rho guanine nucleotide exchange factor 15; plus strand). Cytogenetic location: 17p13.1.
Variant type: single nucleotide variant.
Coding change: c.889C>A on transcript NM_173728.4 (MANE Select); coding-DNA position 889, C replaced by A.
Protein change: p.Pro297Thr; replaces proline 297 with threonine.
Molecular consequence: missense variant.
Genome position (GRCh38, 1-based): chr17:8,313,209, C>A. VCF-style: chr17-8313209-C-A. GRCh37 (hg19) VCF-style: chr17-8216527-C-A.
Other names: c.889C>A, p.Pro297Thr (NM_025014.2); short protein forms P297T.
Identifiers: ClinVar variation 3705944 (VCV003705944.2).

ClinVar aggregate classification (germline): Uncertain significance (1 of 4 stars; one submission).

Conditions:
Early-infantile DEE. Also called: Early infantile epileptic encephalopathy; Early infantile epileptic encephalopathy with suppression bursts; Ohtahara syndrome. Identifiers: Orphanet 1934, MedGen C0393706, MONDO:0800491.

Submission:

Labcorp Genetics (formerly Invitae), Labcorp
Classification: Uncertain significance for Early-infantile DEE. Last evaluated: 2024-09-17. Review status: criteria provided, single submitter. Criteria: Invitae Variant Classification Sherloc (09022015). Collection method: clinical testing. Allele origin: germline.
Comment: This sequence change replaces proline, which is neutral and non-polar, with threonine, which is neutral and polar, at codon 297 of the ARHGEF15 protein (p.Pro297Thr). This variant is not present in population databases (gnomAD no frequency). This variant has not been reported in the literature in individuals affected with ARHGEF15-related conditions. An algorithm developed to predict the effect of missense changes on protein structure and function (PolyPhen-2) suggests that this variant is likely to be tolerated. In summary, the available evidence is currently insufficient to determine the role of this variant in disease. Therefore, it has been classified as a Variant of Uncertain Significance.